The following is an entry in ClinVar:

NM_033380.3(COL4A5):c.3239G>C (p.Gly1080Ala)

Gene: COL4A5 (collagen type IV alpha 5 chain; plus strand). Cytogenetic location: Xq22.3.
Variant type: single nucleotide variant.
Coding change: c.3239G>C on transcript NM_033380.3 (MANE Select); coding-DNA position 3239, G replaced by C.
Protein change: p.Gly1080Ala; replaces glycine 1080 with alanine.
Molecular consequence: missense variant.
Genome position (GRCh38, 1-based): chrX:108,626,342, G>C. VCF-style: chrX-108626342-G-C. GRCh37 (hg19) VCF-style: chrX-107869572-G-C.
Other names: c.3239G>C, p.Gly1080Ala (NM_000495.5); short protein forms G1080A.
Identifiers: ClinVar variation 4293363 (VCV004293363.1).
Genomic context (GRCh38, chrX:108,626,342, plus strand): 5'-GACAGAAAGGCGACAAAGGTGATCCTGGTATTTCAAGCATTGGTCTTCCAGGTCTTCCTG[G>C]TCCAAAGGTAATCTTTGGCATATAGTTTTAGGCACATACTTGAGCAGATATGAAATTTTT-3'
Protein context (NP_203699.1, residues 1070-1090): ISSIGLPGLP[Gly1080Ala]PKGEPGLPGY

ClinVar aggregate classification (germline): Uncertain significance (1 of 4 stars; one submission).

Conditions:
X-linked Alport syndrome (ATS1). Also called: COL4A5-Related Nephropathy; NEPHROPATHY AND DEAFNESS, X-LINKED. Identifiers: Orphanet 63, Orphanet 88917, MedGen C4746986, MONDO:0010520, OMIM 301050.

Submission:

3billion
Classification: Uncertain significance for X-linked Alport syndrome. Last evaluated: 2024-12-06. Review status: criteria provided, single submitter. Criteria: ACMG Guidelines, 2015. Collection method: clinical testing. Allele origin: germline. Affected: yes.
Comment: The variant is not observed in the gnomAD v4.1.0 dataset. Predicted Consequence/Location: Missense variant In silico tool predictions suggest damaging effect of the variant on gene or gene product [REVEL: 0.99 (>=0.6, sensitivity 0.68 and specificity 0.92); 3Cnet: 0.96 (>=0.6, sensitivity 0.72 and precision 0.9)]. Different missense changes at the same codon (p.Gly1080Arg, p.Gly1080Asp) have been reported to be associated with COL4A5-related disorder (ClinVar ID: VCV000447204 /PMID: 20884774). However the evidence of pathogenicity is insufficient at this time. Therefore, this variant is classified as VUS according to the recommendation of ACMG/AMP guideline.

Literature cited by the submitters: PubMed 20884774.